The following is an entry in ClinVar:

ClinVar aggregate classification (germline): Conflicting classifications of pathogenicity. Review status: criteria provided, conflicting classifications (1 of 4 stars). 6 submissions from 5 submitters: Uncertain significance (3); Benign (1); Likely benign (2). Last evaluated 2026-01-04.

Conditions:
Regional enteritis. Also called: Enteritis, Granulomatous. Identifiers: MedGen C0678202, MeSH D003424.
Blau syndrome (BLAUS). Also called: ARTHROCUTANEOUVEAL GRANULOMATOSIS; GRANULOMATOSIS, FAMILIAL JUVENILE SYSTEMIC; GRANULOMATOSIS, FAMILIAL, BLAU TYPE; GRANULOMATOUS INFLAMMATORY ARTHRITIS, DERMATITIS, AND UVEITIS, FAMILIAL; JABS SYNDROME. Identifiers: Orphanet 90340, MedGen C5201146, MONDO:0008523, OMIM 186580.
Autoinflammatory syndrome. Identifiers: Orphanet 93665, MedGen C3890737, MONDO:0019751.
Inflammatory bowel disease 1 (IBD1). Also called: Inflammatory bowel disease 1, Crohn disease; INFLAMMATORY BOWEL DISEASE (CROHN DISEASE) 1. Identifiers: MedGen CN260071, MONDO:0009960, OMIM 266600.

Allele frequency attached by ClinVar (database versions not stated): ESP Exome Variant Server 0.00008; gnomAD 0.00011; gnomAD exomes 0.00012 and 0.00018; 1000 Genomes Project 30x 0.00016; 1000 Genomes Project 0.00020; ExAC 0.00020; TOPMed 0.00024.

Submissions (7):

Labcorp Genetics (formerly Invitae), Labcorp
Classification: Likely benign for Regional enteritis; Blau syndrome. Last evaluated: 2026-01-04. Review status: criteria provided, single submitter. Criteria: Invitae Variant Classification Sherloc (09022015). Collection method: clinical testing. Allele origin: germline.

GeneDx
Classification: Uncertain significance. Last evaluated: 2019-03-28. Review status: criteria provided, single submitter. Criteria: GeneDx Variant Classification Process June 2021. Collection method: clinical testing. Allele origin: germline. Affected: yes.
Comment: Has not been previously published as pathogenic or benign to our knowledge; In silico analysis, which includes splice predictors and evolutionary conservation, supports a deleterious effect

ARUP Laboratories, Molecular Genetics and Genomics, ARUP Laboratories
Classification: Likely benign. Last evaluated: 2019-01-31. Review status: criteria provided, single submitter. Criteria: ARUP Molecular Germline Variant Investigation Process. Collection method: clinical testing. Allele origin: germline.

Genome Diagnostics Laboratory, The Hospital for Sick Children
Classification: Uncertain significance for Autoinflammatory syndrome. Last evaluated: 2018-08-01. Review status: criteria provided, single submitter. Criteria: ACMG Guidelines, 2015. Collection method: clinical testing. Allele origin: germline. Affected: yes.

Illumina Laboratory Services, Illumina
Classification: Benign for Blau syndrome. Last evaluated: 2018-01-12. Review status: criteria provided, single submitter. Criteria: ICSL Variant Classification Criteria 13 December 2019. Collection method: clinical testing. Allele origin: germline.
Comment: This variant was observed in the ICSL laboratory as part of a predisposition screen in an ostensibly healthy population. It had not been previously curated by ICSL or reported in the Human Gene Mutation Database (HGMD: prior to June 1st, 2018), and was therefore a candidate for classification through an automated scoring system. Utilizing variant allele frequency, disease prevalence and penetrance estimates, and inheritance mode, an automated score was calculated to assess if this variant is too frequent to cause the disease. Based on the score and internal cut-off values, a variant classified as benign is not then subjected to further curation. The score for this variant resulted in a classification of benign for this disease.

Illumina Laboratory Services, Illumina
Classification: Uncertain significance for Inflammatory bowel disease 1. Last evaluated: 2018-01-12. Review status: criteria provided, single submitter. Criteria: ICSL Variant Classification Criteria 13 December 2019. Collection method: clinical testing. Allele origin: germline.

Dr. Peter K. Rogan Lab, Western University
No classification provided (evidence only). Condition: Thymoma. Review status: no classification provided. Collection method: in vitro. Allele origin: not applicable. Functional consequence: retained intron. Not counted in ClinVar's aggregate classification.

NM_001370466.1(NOD2):c.2382-9T>A

Gene: NOD2 (nucleotide binding oligomerization domain containing 2; plus strand). Cytogenetic location: 16q12.1.
Variant type: single nucleotide variant.
Coding change: c.2382-9T>A on transcript NM_001370466.1 (MANE Select); 9 bases into the intron before coding-DNA position 2382, T replaced by A.
Molecular consequence: intron variant.
Genome position (GRCh38, 1-based): chr16:50,716,578, T>A. VCF-style: chr16-50716578-T-A. GRCh37 (hg19) VCF-style: chr16-50750489-T-A.
Other names: c.2463-9T>A (LRG_177t1, NM_022162.3); c.2382-9T>A (NM_001293557.2).
Identifiers: ClinVar variation 319466 (VCV000319466.29), dbSNP rs201759367, ClinGen allele CA8051787.
Genomic context (GRCh38, chr16:50,716,578, plus strand): 5'-GGGGGATTTGTAGATTTTTTTCTTGTCTTACTAGCTCCATTTTCAAATGTATTTATTTTG[T>A]CTCTTTAGTTTGCGCGATAACAATATCTCAGACCGAGGCATCTGCAAGCTCATTGAATGT-3'